The following is an entry in ClinVar:

ClinVar aggregate classification (germline): Pathogenic (1 of 4 stars; one submission).

Submission:

Labcorp Genetics (formerly Invitae), Labcorp
Classification: Pathogenic. Last evaluated: 2022-09-12. Review status: criteria provided, single submitter. Criteria: Invitae Variant Classification Sherloc (09022015). Collection method: clinical testing. Allele origin: germline.
Comment: For these reasons, this variant has been classified as Pathogenic. ClinVar contains an entry for this variant (Variation ID: 1452189). This variant has not been reported in the literature in individuals affected with TNFAIP3-related conditions. This variant is not present in population databases (gnomAD no frequency). This sequence change creates a premature translational stop signal (p.Leu335*) in the TNFAIP3 gene. It is expected to result in an absent or disrupted protein product. Loss-of-function variants in TNFAIP3 are known to be pathogenic (PMID: 26642243).

Literature cited by the submitters: PubMed 26642243.

NM_001270508.2(TNFAIP3):c.1004T>A (p.Leu335Ter)

Gene: TNFAIP3 (TNF alpha induced protein 3; plus strand). Cytogenetic location: 6q23.3.
Variant type: single nucleotide variant.
Coding change: c.1004T>A on transcript NM_001270508.2 (MANE Select); coding-DNA position 1004, T replaced by A.
Protein change: p.Leu335Ter; replaces leucine 335 with a stop codon.
Molecular consequence: nonsense.
Genome position (GRCh38, 1-based): chr6:137,878,449, T>A. VCF-style: chr6-137878449-T-A. GRCh37 (hg19) VCF-style: chr6-138199586-T-A.
Other names: c.1004T>A, p.Leu335Ter (NM_001270507.2, NM_006290.4); short protein forms L335*.
Identifiers: ClinVar variation 1452189 (VCV001452189.6), dbSNP rs2114496205, ClinGen allele CA365788089.